The following is an entry in ClinVar:

ClinVar aggregate classification (germline): Uncertain significance. Review status: criteria provided, multiple submitters, no conflicts (2 of 4 stars). 2 submissions from 2 submitters: Uncertain significance (2). Last evaluated 2025-04-12.

Conditions:
Inborn genetic diseases. Identifiers: MedGen C0950123, MeSH D030342.

gnomAD v4.1: 20 of 1,614,174 alleles (0.0012%); highest among the groups gnomAD compares: Non-Finnish European, 0.0017%; no homozygotes.

Submissions (2):

Ambry Genetics
Classification: Uncertain significance for Inborn genetic diseases. Last evaluated: 2025-04-12. Review status: criteria provided, single submitter. Criteria: Ambry Variant Classification Scheme 2023. Collection method: clinical testing. Allele origin: germline.

Labcorp Genetics (formerly Invitae), Labcorp
Classification: Uncertain significance. Last evaluated: 2024-05-03. Review status: criteria provided, single submitter. Criteria: Invitae Variant Classification Sherloc (09022015). Collection method: clinical testing. Allele origin: germline.
Comment: This sequence change replaces glutamic acid, which is acidic and polar, with alanine, which is neutral and non-polar, at codon 1627 of the MYH3 protein (p.Glu1627Ala). This variant is present in population databases (no rsID available, gnomAD 0.0009%). This variant has not been reported in the literature in individuals affected with MYH3-related conditions. Advanced modeling of protein sequence and biophysical properties (such as structural, functional, and spatial information, amino acid conservation, physicochemical variation, residue mobility, and thermodynamic stability) performed at Invitae indicates that this missense variant is not expected to disrupt MYH3 protein function with a negative predictive value of 95%. In summary, the available evidence is currently insufficient to determine the role of this variant in disease. Therefore, it has been classified as a Variant of Uncertain Significance.

NM_002470.4(MYH3):c.4880A>C (p.Glu1627Ala)

Gene: MYH3 (myosin heavy chain 3; minus strand). Cytogenetic location: 17p13.1.
Variant type: single nucleotide variant.
Coding change: c.4880A>C on transcript NM_002470.4 (MANE Select); coding-DNA position 4880, A replaced by C.
Protein change: p.Glu1627Ala; replaces glutamic acid 1627 with alanine.
Molecular consequence: missense variant.
Genome position (GRCh38, 1-based): chr17:10,632,552, T>G on the plus strand (A>C on the coding strand, the complement: MYH3 is on the minus strand). VCF-style: chr17-10632552-T-G. GRCh37 (hg19) VCF-style: chr17-10535869-T-G.
Other names: c.4880A>C (NM_002470.3); short protein forms E1627A.
Identifiers: ClinVar variation 3611780 (VCV003611780.3).